The following is an entry in ClinVar:

ClinVar aggregate classification (germline): Pathogenic. Review status: criteria provided, multiple submitters, no conflicts (2 of 4 stars). 2 submissions from 2 submitters: Pathogenic (2). Last evaluated 2025-08-21.

Conditions:
CHARGE syndrome (CHARGE). Also called: Hittner Hirsch Kreh syndrome; CHARGE ASSOCIATION--COLOBOMA, HEART ANOMALY, CHOANAL ATRESIA, RETARDATION, GENITAL AND EAR ANOMALIES; Coloboma, heart anomaly, choanal atresia, retardation, genital and ear anomalies; CHARGE association; Hall-Hittner syndrome. Identifiers: Orphanet 138, MedGen C0265354, MONDO:0008965.

Submissions (2):

Labcorp Genetics (formerly Invitae), Labcorp
Classification: Pathogenic for CHARGE syndrome. Last evaluated: 2025-08-21. Review status: criteria provided, single submitter. Criteria: Invitae Variant Classification Sherloc (09022015). Collection method: clinical testing. Allele origin: germline.
Comment: This sequence change affects a donor splice site in intron 32 of the CHD7 gene. It is expected to disrupt RNA splicing. Variants that disrupt the donor or acceptor splice site typically lead to a loss of protein function (PMID: 16199547), and loss-of-function variants in CHD7 are known to be pathogenic (PMID: 22461308, 25077900). This variant is not present in population databases (gnomAD no frequency). Disruption of this splice site has been observed in individuals with CHARGE syndrome (PMID: 34202106, 35938004). ClinVar contains an entry for this variant (Variation ID: 2582618). Algorithms developed to predict the effect of sequence changes on RNA splicing suggest that this variant may disrupt the consensus splice site. For these reasons, this variant has been classified as Pathogenic.

Baylor Genetics
Classification: Pathogenic for CHD7-related CHARGE syndrome. Last evaluated: 2023-05-16. Review status: criteria provided, single submitter. Criteria: ACMG Guidelines, 2015. Collection method: clinical testing. Allele origin: unknown.

Literature cited by the submitters: PubMed 16199547 (cited by Labcorp Genetics (formerly Invitae), Labcorp); PubMed 22461308 (cited by Labcorp Genetics (formerly Invitae), Labcorp); PubMed 25077900 (cited by Labcorp Genetics (formerly Invitae), Labcorp); PubMed 34202106 (cited by Labcorp Genetics (formerly Invitae), Labcorp); PubMed 35938004 (cited by Labcorp Genetics (formerly Invitae), Labcorp).

NM_017780.4(CHD7):c.6936+2T>C

Gene: CHD7 (chromodomain helicase DNA binding protein 7; plus strand). Cytogenetic location: 8q12.2.
Variant type: single nucleotide variant.
Coding change: c.6936+2T>C on transcript NM_017780.4 (MANE Select); the canonical splice donor site of the intron after coding-DNA position 6936, T replaced by C.
Molecular consequence: splice donor variant. On other transcripts: intron variant (1).
Genome position (GRCh38, 1-based): chr8:60,854,525, T>C. VCF-style: chr8-60854525-T-C. GRCh37 (hg19) VCF-style: chr8-61767084-T-C.
Other names: c.1717-7704T>C (NM_001316690.1).
Identifiers: ClinVar variation 2582618 (VCV002582618.4), dbSNP rs2488058064, ClinGen allele CA371295468.